The following is an entry in ClinVar:

NM_052947.4(ALPK2):c.5872A>G (p.Asn1958Asp)

Gene: ALPK2 (alpha kinase 2; minus strand). Cytogenetic location: 18q21.31.
Variant type: single nucleotide variant.
Coding change: c.5872A>G on transcript NM_052947.4 (MANE Select); coding-DNA position 5872, A replaced by G.
Protein change: p.Asn1958Asp; replaces asparagine 1958 with aspartic acid.
Molecular consequence: missense variant.
Genome position (GRCh38, 1-based): chr18:58,516,976, T>C on the plus strand (A>G on the coding strand, the complement: ALPK2 is on the minus strand). VCF-style: chr18-58516976-T-C. GRCh37 (hg19) VCF-style: chr18-56184208-T-C.
Other names: short protein forms N1958D.
Identifiers: ClinVar variation 1750206 (VCV001750206.2), dbSNP rs2518862712, ClinGen allele CA402548368.

ClinVar aggregate classification (germline): Uncertain significance (1 of 4 stars; one submission).

Submission:

Ambry Genetics
Classification: Uncertain significance. Last evaluated: 2022-10-13. Review status: criteria provided, single submitter. Criteria: Ambry Variant Classification Scheme 2023. Collection method: clinical testing. Allele origin: germline.
Comment: The p.N1958D variant (also known as c.5872A>G), located in coding exon 8 of the ALPK2 gene, results from an A to G substitution at nucleotide position 5872. The asparagine at codon 1958 is replaced by aspartic acid, an amino acid with highly similar properties. This amino acid position is conserved. In addition, this alteration is predicted to be tolerated by in silico analysis. Since supporting evidence is limited at this time, the clinical significance of this alteration remains unclear.